The following is an entry in ClinVar:

ClinVar aggregate classification (germline): Uncertain significance (1 of 4 stars; one submission).

gnomAD v4.1: 1 of 1,614,166 alleles (0.000062%); highest among the groups gnomAD compares: Admixed American, 0.0017%; no homozygotes.

Submission:

GeneDx
Classification: Uncertain significance. Last evaluated: 2025-03-20. Review status: criteria provided, single submitter. Criteria: GeneDx Variant Classification Process June 2021. Collection method: clinical testing. Allele origin: germline. Affected: yes.
Comment: Not observed at significant frequency in large population cohorts (gnomAD); In silico analysis supports that this missense variant has a deleterious effect on protein structure/function; Has not been previously published as pathogenic or benign to our knowledge

NM_003995.4(NPR2):c.2165G>A (p.Gly722Asp)

Gene: NPR2 (natriuretic peptide receptor 2; plus strand). Cytogenetic location: 9p13.3.
Variant type: single nucleotide variant.
Coding change: c.2165G>A on transcript NM_003995.4 (MANE Select); coding-DNA position 2165, G replaced by A.
Protein change: p.Gly722Asp; replaces glycine 722 with aspartic acid.
Molecular consequence: missense variant.
Genome position (GRCh38, 1-based): chr9:35,805,947, G>A. VCF-style: chr9-35805947-G-A. GRCh37 (hg19) VCF-style: chr9-35805944-G-A.
Other names: c.2174G>A, p.Gly725Asp (NM_001378923.1); short protein forms G722D, G725D.
Identifiers: ClinVar variation 4086712 (VCV004086712.1).
Genomic context (GRCh38, chr9:35,805,947, plus strand): 5'-TGCAGAAGGCTGACGTCTATAGCTTTGGGATCATCCTGCAGGAGATAGCACTTCGCAGTG[G>A]TCCTTTCTACTTGGAGGGCCTGGACCTCAGCCCCAAAGGTAAGAGTCAATCCACTACCCA-3'
Protein context (NP_003986.2, residues 712-732): IILQEIALRS[Gly722Asp]PFYLEGLDLS